The following is an entry in ClinVar:

ClinVar aggregate classification (germline): Conflicting classifications of pathogenicity. Review status: criteria provided, conflicting classifications (1 of 4 stars). 2 submissions from 2 submitters: Uncertain significance (1); Likely benign (1). Last evaluated 2025-04-30.

gnomAD v4.1: 63 of 1,614,036 alleles (0.0039%); highest among the groups gnomAD compares: East Asian, 0.0045%; no homozygotes.

Submissions (2):

Labcorp Genetics (formerly Invitae), Labcorp
Classification: Uncertain significance. Last evaluated: 2025-04-30. Review status: criteria provided, single submitter. Criteria: Invitae Variant Classification Sherloc (09022015). Collection method: clinical testing. Allele origin: germline.
Comment: This sequence change replaces alanine, which is neutral and non-polar, with threonine, which is neutral and polar, at codon 320 of the ABCA3 protein (p.Ala320Thr). This variant is present in population databases (rs780116425, gnomAD 0.007%). This variant has not been reported in the literature in individuals affected with ABCA3-related conditions. Invitae Evidence Modeling of protein sequence and biophysical properties (such as structural, functional, and spatial information, amino acid conservation, physicochemical variation, residue mobility, and thermodynamic stability) indicates that this missense variant is not expected to disrupt ABCA3 protein function with a negative predictive value of 80%. In summary, the available evidence is currently insufficient to determine the role of this variant in disease. Therefore, it has been classified as a Variant of Uncertain Significance.

Blueprint Genetics
Classification: Likely benign. Last evaluated: 2022-06-03. Review status: criteria provided, single submitter. Criteria: ACMG Guidelines, 2015. Collection method: clinical testing. Allele origin: germline.

NM_001089.3(ABCA3):c.958G>A (p.Ala320Thr)

Gene: ABCA3 (ATP binding cassette subfamily A member 3; minus strand). Cytogenetic location: 16p13.3.
Variant type: single nucleotide variant.
Coding change: c.958G>A on transcript NM_001089.3 (MANE Select); coding-DNA position 958, G replaced by A.
Protein change: p.Ala320Thr; replaces alanine 320 with threonine.
Molecular consequence: missense variant.
Genome position (GRCh38, 1-based): chr16:2,317,680, C>T on the plus strand (G>A on the coding strand, the complement: ABCA3 is on the minus strand). VCF-style: chr16-2317680-C-T. GRCh37 (hg19) VCF-style: chr16-2367681-C-T.
Other names: short protein forms A320T.
Identifiers: ClinVar variation 4798544 (VCV004798544.2).
Genomic context (GRCh38, chr16:2,317,680, plus strand): 5'-ACCAGAGCCCCACCGACGCCATGCTCACCTTGACACAGAAGAGCAGGGTCATGAAGGAGG[C>T]GGCGATGAGGAGGAAGAGGAAGAACAAGAGGAACCAGGCACTCCAGTGCAGCCAGCTGCT-3'
Protein context (NP_001080.2, residues 310-330): LLFFLFLLIA[Ala320Thr]SFMTLLFCVK